The following is an entry in ClinVar:

ClinVar aggregate classification (germline): Uncertain significance (1 of 4 stars; one submission).

Conditions:
Muscle AMP deaminase deficiency (MMDD). Also called: ADENOSINE MONOPHOSPHATE DEAMINASE-1 DEFICIENCY, MYOPATHY DUE TO; AMPD1 DEFICIENCY; Myoadenylate deaminase deficiency, myopathy due to; Adenosine monophosphate deaminase 1 deficiency; AMP deaminase 1 deficiency; Adenosine Monophosphate Deaminase 1. Identifiers: Orphanet 45, MedGen C3714933, MONDO:0014220, OMIM 615511.

Submission:

Labcorp Genetics (formerly Invitae), Labcorp
Classification: Uncertain significance for Muscle AMP deaminase deficiency. Last evaluated: 2022-09-14. Review status: criteria provided, single submitter. Criteria: Invitae Variant Classification Sherloc (09022015). Collection method: clinical testing. Allele origin: germline.
Comment: This variant has not been reported in the literature in individuals affected with AMPD1-related conditions. In summary, the available evidence is currently insufficient to determine the role of this variant in disease. Therefore, it has been classified as a Variant of Uncertain Significance. Algorithms developed to predict the effect of missense changes on protein structure and function (SIFT, PolyPhen-2, Align-GVGD) all suggest that this variant is likely to be tolerated. This variant is not present in population databases (gnomAD no frequency). This sequence change replaces threonine, which is neutral and polar, with isoleucine, which is neutral and non-polar, at codon 293 of the AMPD1 protein (p.Thr293Ile).

NM_000036.3(AMPD1):c.779C>T (p.Thr260Ile)

Gene: AMPD1 (adenosine monophosphate deaminase 1; minus strand). Cytogenetic location: 1p13.2.
Variant type: single nucleotide variant.
Coding change: c.779C>T on transcript NM_000036.3 (MANE Select); coding-DNA position 779, C replaced by T.
Protein change: p.Thr260Ile; replaces threonine 260 with isoleucine.
Molecular consequence: missense variant.
Genome position (GRCh38, 1-based): chr1:114,679,697, G>A on the plus strand (C>T on the coding strand, the complement: AMPD1 is on the minus strand). VCF-style: chr1-114679697-G-A. GRCh37 (hg19) VCF-style: chr1-115222318-G-A.
Other names: c.767C>T, p.Thr256Ile (NM_001172626.2); short protein forms T256I, T260I.
Identifiers: ClinVar variation 1915808 (VCV001915808.5), dbSNP rs2526357702, ClinGen allele CA341750231.